The following is an entry in ClinVar:

ClinVar aggregate classification (germline): Uncertain significance (1 of 4 stars; one submission).

Conditions:
Inborn genetic diseases. Identifiers: MedGen C0950123, MeSH D030342.

Allele frequency attached by ClinVar (database versions not stated): gnomAD 0.00001.
gnomAD v4.1: 7 of 1,610,800 alleles (0.00043%); highest among the groups gnomAD compares: Non-Finnish European, 0.00051%; no homozygotes.

Submission:

Ambry Genetics
Classification: Uncertain significance for Inborn genetic diseases. Last evaluated: 2024-05-10. Review status: criteria provided, single submitter. Criteria: Ambry Variant Classification Scheme 2023. Collection method: clinical testing. Allele origin: germline.
Comment: The p.A370S variant (also known as c.1108G>T), located in coding exon 10 of the LRRK2 gene, results from a G to T substitution at nucleotide position 1108. The alanine at codon 370 is replaced by serine, an amino acid with similar properties. This amino acid position is conserved. In addition, this alteration is predicted to be tolerated by in silico analysis. Since supporting evidence is limited at this time, the clinical significance of this alteration remains unclear.

NM_198578.4(LRRK2):c.1108G>T (p.Ala370Ser)

Gene: LRRK2 (leucine rich repeat kinase 2; plus strand). Cytogenetic location: 12q12.
Variant type: single nucleotide variant.
Coding change: c.1108G>T on transcript NM_198578.4 (MANE Select); coding-DNA position 1108, G replaced by T.
Protein change: p.Ala370Ser; replaces alanine 370 with serine.
Molecular consequence: missense variant.
Genome position (GRCh38, 1-based): chr12:40,251,471, G>T. VCF-style: chr12-40251471-G-T. GRCh37 (hg19) VCF-style: chr12-40645273-G-T.
Other names: short protein forms A370S.
Identifiers: ClinVar variation 1794380 (VCV001794380.3), dbSNP rs200189771, ClinGen allele CA235357643.